The following is an entry in ClinVar:

NM_004004.6(GJB2):c.566C>G (p.Thr189Ser)

Gene: GJB2 (gap junction protein beta 2; minus strand). Cytogenetic location: 13q12.11.
Variant type: single nucleotide variant.
Coding change: c.566C>G on transcript NM_004004.6 (MANE Select); coding-DNA position 566, C replaced by G.
Protein change: p.Thr189Ser; replaces threonine 189 with serine.
Molecular consequence: missense variant.
Genome position (GRCh38, 1-based): chr13:20,189,016, G>C on the plus strand (C>G on the coding strand, the complement: GJB2 is on the minus strand). VCF-style: chr13-20189016-G-C. GRCh37 (hg19) VCF-style: chr13-20763155-G-C.
Other names: short protein forms T189S.
Identifiers: ClinVar variation 3252256 (VCV003252256.4), dbSNP rs199790409.

ClinVar aggregate classification (germline): Uncertain significance. Review status: criteria provided, multiple submitters, no conflicts (2 of 4 stars). 2 submissions from 2 submitters: Uncertain significance (2). Last evaluated 2025-10-01.

Submissions (2):

GeneDx
Classification: Uncertain significance. Last evaluated: 2025-10-01. Review status: criteria provided, single submitter. Criteria: GeneDx Variant Classification Process June 2021. Collection method: clinical testing. Allele origin: germline.
Comment: Not observed at significant frequency in large population cohorts (gnomAD); In silico analysis suggests that this missense variant does not alter protein structure/function; Has not been previously published as pathogenic or benign to our knowledge

Labcorp Genetics (formerly Invitae), Labcorp
Classification: Uncertain significance. Last evaluated: 2024-02-25. Review status: criteria provided, single submitter. Criteria: Invitae Variant Classification Sherloc (09022015). Collection method: clinical testing. Allele origin: germline.
Comment: This sequence change replaces threonine, which is neutral and polar, with serine, which is neutral and polar, at codon 189 of the GJB2 protein (p.Thr189Ser). This variant is not present in population databases (gnomAD no frequency). This variant has not been reported in the literature in individuals affected with GJB2-related conditions. Advanced modeling of protein sequence and biophysical properties (such as structural, functional, and spatial information, amino acid conservation, physicochemical variation, residue mobility, and thermodynamic stability) has been performed at Invitae for this missense variant, however the output from this modeling did not meet the statistical confidence thresholds required to predict the impact of this variant on GJB2 protein function. In summary, the available evidence is currently insufficient to determine the role of this variant in disease. Therefore, it has been classified as a Variant of Uncertain Significance.